The following is an entry in ClinVar:

NM_144573.4(NEXN):c.2019T>A (p.Ser673Arg)

Gene: NEXN (nexilin F-actin binding protein; plus strand). Cytogenetic location: 1p31.1.
Variant type: single nucleotide variant.
Coding change: c.2019T>A on transcript NM_144573.4 (MANE Select); coding-DNA position 2019, T replaced by A.
Protein change: p.Ser673Arg; replaces serine 673 with arginine.
Molecular consequence: missense variant.
Genome position (GRCh38, 1-based): chr1:77,942,820, T>A. VCF-style: chr1-77942820-T-A. GRCh37 (hg19) VCF-style: chr1-78408505-T-A.
Other names: c.1827T>A, p.Ser609Arg (NM_001172309.2); short protein forms S609R, S673R.
Identifiers: ClinVar variation 1329337 (VCV001329337.8), dbSNP rs539689450, ClinGen allele CA919022.

ClinVar aggregate classification (germline): Uncertain significance. Review status: criteria provided, multiple submitters, no conflicts (2 of 4 stars). 3 submissions from 3 submitters: Uncertain significance (3). Last evaluated 2022-08-14.

Conditions:
Cardiomyopathy (CMYO). Also called: Cardiomyopathies. Identifiers: Orphanet 167848, MedGen C0878544, MONDO:0004994, HP:0001638. Inheritance: Various modes of inheritance.
Dilated cardiomyopathy 1CC (CMD1CC). Identifiers: Orphanet 154, MedGen C2751084, MONDO:0013147, OMIM 613122.
Hypertrophic cardiomyopathy 20. Identifiers: MedGen C3151267, MONDO:0013477, OMIM 613876.
Cardiovascular phenotype. Identifiers: MedGen CN230736.

Allele frequency attached by ClinVar (database versions not stated): gnomAD 0.00001; ExAC 0.00002.

Submissions (3):

Ambry Genetics
Classification: Uncertain significance for Cardiovascular phenotype. Last evaluated: 2022-08-14. Review status: criteria provided, single submitter. Criteria: Ambry Variant Classification Scheme 2023. Collection method: clinical testing. Allele origin: germline.
Comment: The p.S673R variant (also known as c.2019T>A), located in coding exon 12 of the NEXN gene, results from a T to A substitution at nucleotide position 2019. The serine at codon 673 is replaced by arginine, an amino acid with dissimilar properties. This amino acid position is conserved. In addition, the in silico prediction for this alteration is inconclusive. Since supporting evidence is limited at this time, the clinical significance of this alteration remains unclear.

Labcorp Genetics (formerly Invitae), Labcorp
Classification: Uncertain significance for Dilated cardiomyopathy 1CC; Hypertrophic cardiomyopathy 20. Last evaluated: 2022-03-18. Review status: criteria provided, single submitter. Criteria: Invitae Variant Classification Sherloc (09022015). Collection method: clinical testing. Allele origin: germline.
Comment: This sequence change replaces serine, which is neutral and polar, with arginine, which is basic and polar, at codon 673 of the NEXN protein (p.Ser673Arg). This variant is present in population databases (rs539689450, gnomAD 0.01%). This variant has not been reported in the literature in individuals affected with NEXN-related conditions. ClinVar contains an entry for this variant (Variation ID: 1329337). Algorithms developed to predict the effect of missense changes on protein structure and function are either unavailable or do not agree on the potential impact of this missense change (SIFT: "Deleterious"; PolyPhen-2: "Benign"; Align-GVGD: "Class C0"). Algorithms developed to predict the effect of sequence changes on RNA splicing suggest that this variant may disrupt the consensus splice site. In summary, the available evidence is currently insufficient to determine the role of this variant in disease. Therefore, it has been classified as a Variant of Uncertain Significance.

CHEO Genetics Diagnostic Laboratory, Children's Hospital of Eastern Ontario
Classification: Uncertain significance for Cardiomyopathy. Last evaluated: 2019-10-16. Review status: criteria provided, single submitter. Criteria: ACMG Guidelines, 2015. Collection method: clinical testing. Allele origin: germline.